The following is an entry in ClinVar:

NM_014714.4(IFT140):c.458C>T (p.Thr153Met)

Genes: IFT140 (intraflagellar transport 140; minus strand), LOC105371046 (uncharacterized LOC105371046; plus strand). Cytogenetic location: 16p13.3.
Variant type: single nucleotide variant.
Coding change: c.458C>T on transcript NM_014714.4 (MANE Select); coding-DNA position 458, C replaced by T.
Protein change: p.Thr153Met; replaces threonine 153 with methionine.
Molecular consequence: missense variant.
Genome position (GRCh38, 1-based): chr16:1,592,500, G>A on the plus strand (C>T on the coding strand, the complement: IFT140 is on the minus strand). VCF-style: chr16-1592500-G-A. GRCh37 (hg19) VCF-style: chr16-1642501-G-A.
Other names: short protein forms T153M.
Identifiers: ClinVar variation 3527883 (VCV003527883.4).

ClinVar aggregate classification (germline): Uncertain significance. Review status: criteria provided, multiple submitters, no conflicts (2 of 4 stars). 4 submissions from 4 submitters: Uncertain significance (4). Last evaluated 2025-09-25.

Conditions:
Saldino-Mainzer syndrome (SRTD9). Also called: CONORENAL SYNDROME; Renal dysplasia, retinal pigmentary dystrophy, cerebellar ataxia and skeletal dysplasia; SHORT-RIB THORACIC DYSPLASIA 9 WITHOUT POLYDACTYLY; short-rib thoracic dysplasia 9 with or without polydactyly. Identifiers: Orphanet 140969, MedGen C1849437, MONDO:0009964, OMIM 266920.
Inborn genetic diseases. Identifiers: MedGen C0950123, MeSH D030342.
Retinitis pigmentosa 80 (RP80). Identifiers: MedGen C4540439, MONDO:0054708, OMIM 617781.

gnomAD v4.1: 35 of 1,614,234 alleles (0.0022%); highest among the groups gnomAD compares: African/African-American, 0.004%; no homozygotes.

Submissions (4):

Labcorp Genetics (formerly Invitae), Labcorp
Classification: Uncertain significance for Saldino-Mainzer syndrome. Last evaluated: 2025-09-25. Review status: criteria provided, single submitter. Criteria: Invitae Variant Classification Sherloc (09022015). Collection method: clinical testing. Allele origin: germline.
Comment: This sequence change replaces threonine, which is neutral and polar, with methionine, which is neutral and non-polar, at codon 153 of the IFT140 protein (p.Thr153Met). This variant is present in population databases (rs545083874, gnomAD 0.01%). This variant has not been reported in the literature in individuals affected with IFT140-related conditions. ClinVar contains an entry for this variant (Variation ID: 3527883). Invitae Evidence Modeling of protein sequence and biophysical properties (such as structural, functional, and spatial information, amino acid conservation, physicochemical variation, residue mobility, and thermodynamic stability) has been performed for this missense variant. However, the output from this modeling did not meet the statistical confidence thresholds required to predict the impact of this variant on IFT140 protein function. In summary, the available evidence is currently insufficient to determine the role of this variant in disease. Therefore, it has been classified as a Variant of Uncertain Significance.

Ambry Genetics
Classification: Uncertain significance for Inborn genetic diseases. Last evaluated: 2024-09-12. Review status: criteria provided, single submitter. Criteria: Ambry Variant Classification Scheme 2023. Collection method: clinical testing. Allele origin: germline.

Fulgent Genetics
Classification: Uncertain significance for Saldino-Mainzer syndrome; Retinitis pigmentosa 80. Last evaluated: 2024-06-01. Review status: criteria provided, single submitter. Criteria: ACMG Guidelines, 2015. Collection method: clinical testing. Allele origin: germline.

Blueprint Genetics
Classification: Uncertain significance. Last evaluated: 2023-07-17. Review status: criteria provided, single submitter. Criteria: ACMG Guidelines, 2015. Collection method: clinical testing. Allele origin: germline.